The following is an entry in ClinVar:

NM_174936.4(PCSK9):c.142G>A (p.Glu48Lys)

Gene: PCSK9 (proprotein convertase subtilisin/kexin type 9; plus strand). Cytogenetic location: 1p32.3.
Variant type: single nucleotide variant.
Coding change: c.142G>A on transcript NM_174936.4 (MANE Select); coding-DNA position 142, G replaced by A.
Protein change: p.Glu48Lys; replaces glutamic acid 48 with lysine.
Molecular consequence: missense variant.
Genome position (GRCh38, 1-based): chr1:55,039,979, G>A. VCF-style: chr1-55039979-G-A. GRCh37 (hg19) VCF-style: chr1-55505652-G-A.
Other names: short protein forms E48K.
Identifiers: ClinVar variation 440707 (VCV000440707.23), dbSNP rs1278890129, ClinGen allele CA340482854.

ClinVar aggregate classification (germline): Uncertain significance. Review status: criteria provided, multiple submitters, no conflicts (2 of 4 stars). 11 submissions from 11 submitters: Uncertain significance (10). 1 of the submissions does not count toward it. Last evaluated 2026-05-19.

Conditions:
Hypercholesterolemia, familial, 1. Also called: LDL RECEPTOR DISORDER; Hyperlipoproteinemia Type IIa; HYPER-LOW-DENSITY-LIPOPROTEINEMIA; HYPERCHOLESTEROLEMIC XANTHOMATOSIS, FAMILIAL; Fredrickson type IIa hyperlipoproteinemia; Hyperlipoproteinemia type 2. Identifiers: Orphanet 391665, MedGen C0745103, MONDO:0007750, OMIM 143890.
Cardiovascular phenotype. Identifiers: MedGen CN230736.
Hypercholesterolemia, autosomal dominant, 3 (FHCL3). Also called: Familial Hypercholesterolemia, Autosomal Dominant, 3; Familial hypercholesterolemia 3; PCSK9-Related Familial Hypercholesterolemia, Autosomal Dominant. Identifiers: MedGen C1863551, MONDO:0011369, OMIM 603776.
Familial hypercholesterolemia. Also called: Familial hypercholesterolemias; Familial hypercholesterolaemia. Identifiers: MedGen C0020445, MONDO:0005439.

Allele frequency attached by ClinVar (database versions not stated): gnomAD 0.00001; gnomAD exomes 0.00002.
gnomAD v4.1: 8 of 1,580,928 alleles (0.00051%); highest among the groups gnomAD compares: South Asian, 0.0046%; no homozygotes.

Submissions (11):

Women's Health and Genetics/Laboratory Corporation of America, LabCorp
Classification: Uncertain significance. Last evaluated: 2026-05-19. Review status: criteria provided, single submitter. Criteria: LabCorp Variant Classification Summary - May 2015. Collection method: clinical testing. Allele origin: germline.
Comment: Variant summary: PCSK9 c.142G>A (p.Glu48Lys) results in a conservative amino acid change in the encoded protein sequence. Algorithms developed to predict the effect of missense changes on protein structure and function all suggest that this variant is likely to be tolerated. The variant allele was found at a frequency of 2e-05 in 196960 control chromosomes. The available data on variant occurrences in the general population are insufficient to allow any conclusion about variant significance. c.142G>A has been observed in individual(s) affected with PCSK9-related conditions wihtout strong evidence for causality (e.g. Hopkins_2015, Meshkov_2021). These report(s) do not provide unequivocal conclusions about association of the variant with disease. One publication reports experimental evidence evaluating an impact on protein function, however, does not allow convincing conclusions about the variant effect (e.g. Sarkar_2022). The following publications have been ascertained in the context of this evaluation (PMID: 26374825, 33418990, 36187800). ClinVar contains an entry for this variant (Variation ID: 440707). Based on the evidence outlined above, the variant was classified as uncertain significance.

Cambridge Genomics Laboratory, East Genomic Laboratory Hub, NHS Genomic Medicine Service
Classification: Uncertain significance for Familial hypercholesterolaemia. Last evaluated: 2026-04-10. Review status: criteria provided, single submitter. Criteria: ACGS Best Practice Guidelines for Variant Classification in Rare Disease 2020. Collection method: clinical testing. Allele origin: germline. Affected: yes.

Labcorp Genetics (formerly Invitae), Labcorp
Classification: Uncertain significance for Hypercholesterolemia, autosomal dominant, 3. Last evaluated: 2026-01-13. Review status: criteria provided, single submitter. Criteria: Invitae Variant Classification Sherloc (09022015). Collection method: clinical testing. Allele origin: germline.
Comment: This sequence change replaces glutamic acid, which is acidic and polar, with lysine, which is basic and polar, at codon 48 of the PCSK9 protein (p.Glu48Lys). The frequency data for this variant in the population databases is considered unreliable, as metrics indicate poor data quality at this position in the gnomAD database. This missense change has been observed in individual(s) with hypercholesterolemia (PMID: 26374825). ClinVar contains an entry for this variant (Variation ID: 440707). Invitae Evidence Modeling of protein sequence and biophysical properties (such as structural, functional, and spatial information, amino acid conservation, physicochemical variation, residue mobility, and thermodynamic stability) indicates that this missense variant is not expected to disrupt PCSK9 protein function with a negative predictive value of 95%. In summary, the available evidence is currently insufficient to determine the role of this variant in disease. Therefore, it has been classified as a Variant of Uncertain Significance.

Color Diagnostics, LLC DBA Color Health
Classification: Uncertain significance for Familial hypercholesterolemia. Last evaluated: 2025-07-29. Review status: criteria provided, single submitter. Criteria: ACMG Guidelines, 2015. Collection method: clinical testing. Allele origin: germline.
Comment: This missense variant replaces glutamic acid with lysine at codon 48 of the PCSK9 protein. Computational prediction suggests that this variant may not impact protein structure and function. To our knowledge, functional studies have not been reported for this variant. This variant has been reported in an individual affected with familial hypercholesterolemia (PMID: 33418990) and in an individual affected with hypercholesterolemia (PMID: 26374825). This variant has been identified in 5/228356 chromosomes in the general population by the Genome Aggregation Database (gnomAD). The available evidence is insufficient to determine the role of this variant in disease conclusively. Therefore, this variant is classified as a Variant of Uncertain Significance.

Quest Diagnostics Nichols Institute San Juan Capistrano
Classification: Uncertain significance. Last evaluated: 2024-04-04. Review status: criteria provided, single submitter. Criteria: Quest Diagnostics criteria. Collection method: clinical testing. Allele origin: unknown.
Comment: The PCSK9 c.142G>A (p.Glu48Lys) variant has been reported in the published literature in individuals affected with familial hypercholesterolemia (FH) (PMID: 26374825 (2015), 33418990 (2021)). The frequency of this variant in the general population, 0.00012 (3/25112 chromosomes in South Asian subpopulation (Genome Aggregation Database)), is higher than would generally be expected for pathogenic variants in this gene. Analysis of this variant using bioinformatics tools for the prediction of the effect of amino acid changes on protein structure and function yielded conflicting predictions that this variant is deleterious or benign. Based on the available information, we are unable to determine the clinical significance of this variant.

All of Us Research Program, National Institutes of Health
Classification: Uncertain significance for Hypercholesterolemia, autosomal dominant, 3. Last evaluated: 2023-12-13. Review status: criteria provided, single submitter. Criteria: ACMG Guidelines, 2015. Collection method: clinical testing. Allele origin: germline. Inheritance: Autosomal dominant inheritance. Observed: 2 variant alleles, 2 heterozygotes.
Comment: This missense variant replaces glutamic acid with lysine at codon 48 of the PCSK9 protein. Computational prediction suggests that this variant may not impact protein structure and function (internally defined REVEL score threshold <= 0.5, PMID: 27666373). To our knowledge, functional studies have not been reported for this variant. This variant has been reported in an individual affected with familial hypercholesterolemia (PMID: 33418990) and in an individual affected with hypercholesterolemia (PMID: 26374825). This variant has been identified in 5/228356 chromosomes in the general population by the Genome Aggregation Database (gnomAD). The available evidence is insufficient to determine the role of this variant in disease conclusively. Therefore, this variant is classified as a Variant of Uncertain Significance.

This study involves interpretation of variants in research participants for the purpose of population health screening. Participant phenotype was not available at the time of variant classification. Additional details can be found in publication PMID: 35346344, PMCID: PMC8962531

GeneDx
Classification: Uncertain significance. Last evaluated: 2023-11-02. Review status: criteria provided, single submitter. Criteria: GeneDx Variant Classification Process June 2021. Collection method: clinical testing. Allele origin: germline. Affected: yes.
Comment: Has been reported in individuals with familial hypercholesterolemia (PMID: 26374825, 33418990); Not observed at significant frequency in large population cohorts (gnomAD); In silico analysis supports that this missense variant does not alter protein structure/function; This variant is associated with the following publications: (PMID: 37331523, 26374825, 33418990)

Ambry Genetics
Classification: Uncertain significance for Cardiovascular phenotype. Last evaluated: 2023-10-17. Review status: criteria provided, single submitter. Criteria: Ambry Variant Classification Scheme 2023. Collection method: clinical testing. Allele origin: germline.
Comment: The p.E48K variant (also known as c.142G>A), located in coding exon 1 of the PCSK9 gene, results from a G to A substitution at nucleotide position 142. The glutamic acid at codon 48 is replaced by lysine, an amino acid with similar properties. This alteration has been reported in a cohort of subjects with PCSK9 alterations and in a cohort of subjects with familial hypercholesterolemia (FH) (Hopkins PN et al. Circ Cardiovasc Genet, 2015 Dec;8:823-31; Meshkov A et al. Genes (Basel), 2021 Jan;12:). This amino acid position is well conserved in available vertebrate species. In addition, this alteration is predicted to be tolerated by in silico analysis. Since supporting evidence is limited at this time, the clinical significance of this alteration remains unclear.

Fulgent Genetics
Classification: Uncertain significance for Hypercholesterolemia, autosomal dominant, 3. Last evaluated: 2021-07-27. Review status: criteria provided, single submitter. Criteria: ACMG Guidelines, 2015. Collection method: clinical testing. Allele origin: unknown.

Stanford Center for Inherited Cardiovascular Disease, Stanford University
Classification: Uncertain significance. Last evaluated: 2018-01-17. Review status: criteria provided, single submitter. Criteria: ACMG Guidelines, 2015. Collection method: provider interpretation. Allele origin: germline.

Laboratorium voor Moleculaire Diagnostiek Experimentele Vasculaire Geneeskunde, Academisch Medisch Centrum
Classification: Pathogenic for Familial hypercholesterolemia. Review status: no assertion criteria provided. Collection method: research. Allele origin: germline. Not counted in ClinVar's aggregate classification.

Literature cited by the submitters: PubMed 26374825 (cited by 6 submitters); PubMed 33418990 (cited by 5 submitters); PubMed 36187800 (cited by Women's Health and Genetics/Laboratory Corporation of America, LabCorp).